The following is an entry in ClinVar:

ClinVar aggregate classification (germline): Uncertain significance (0 of 4 stars; one submission).

Conditions:
NTRK2-related disorder. Also called: NTRK2-related condition.

Submission:

PreventionGenetics, part of Exact Sciences
Classification: Uncertain significance for NTRK2-related condition. Last evaluated: 2024-05-31. Review status: no assertion criteria provided. Collection method: clinical testing. Allele origin: germline.
Comment: The NTRK2 c.1417G>A variant is predicted to result in the amino acid substitution p.Gly473Arg. To our knowledge, this variant has not been reported in the literature or in a large population database, indicating this variant is rare. At this time, the clinical significance of this variant is uncertain due to the absence of conclusive functional and genetic evidence.

NM_006180.6(NTRK2):c.1417G>A (p.Gly473Arg)

Gene: NTRK2 (neurotrophic receptor tyrosine kinase 2; plus strand). Cytogenetic location: 9q21.33.
Variant type: single nucleotide variant.
Coding change: c.1417G>A on transcript NM_006180.6 (MANE Select); coding-DNA position 1417, G replaced by A.
Protein change: p.Gly473Arg; replaces glycine 473 with arginine.
Molecular consequence: missense variant. On other transcripts: intron variant (7).
Genome position (GRCh38, 1-based): chr9:84,861,060, G>A. VCF-style: chr9-84861060-G-A. GRCh37 (hg19) VCF-style: chr9-87475975-G-A.
Other names: c.1417G>A, p.Gly473Arg (NM_001018065.2, NM_001369537.1); c.949G>A, p.Gly317Arg (NM_001369536.1); c.1397-6183G>A (NM_001369532.1, NM_001369533.1, NM_001018066.3 and 2 more transcripts); c.1361-6183G>A (NM_001369534.1); c.929-6183G>A (NM_001369535.1); short protein forms G317R, G473R.
Identifiers: ClinVar variation 3347078 (VCV003347078.1).
Genomic context (GRCh38, chr9:84,861,060, plus strand): 5'-CTCTTTCGAAGTTTATTTTATGTTTTGTTGTGGTTTTCAGATTTCTCATGGTTTGGATTT[G>A]GGAAAGTAAAATCAAGACAAGGTGTTGGTAAGTAGTTAACTCACTCCTTCTTTGGATAAG-3'
Protein context (NP_006171.2, residues 463-483): GMKDFSWFGF[Gly473Arg]KVKSRQGVGP